The following is an entry in ClinVar:

NM_001244008.2(KIF1A):c.4122+1G>A

Gene: KIF1A (kinesin family member 1A; minus strand). Cytogenetic location: 2q37.3.
Variant type: single nucleotide variant.
Coding change: c.4122+1G>A on transcript NM_001244008.2 (MANE Select); the canonical splice donor site of the intron after coding-DNA position 4122, G replaced by A.
Molecular consequence: splice donor variant.
Genome position (GRCh38, 1-based): chr2:240,726,825, C>T on the plus strand (G>A on the coding strand, the complement: KIF1A is on the minus strand). VCF-style: chr2-240726825-C-T. GRCh37 (hg19) VCF-style: chr2-241666242-C-T.
Other names: c.3819+1G>A (NM_001379653.1, NM_001379650.1, NM_001379641.1 and 2 more transcripts); c.4095+1G>A (NM_001379645.1, NM_001379633.1); c.3945+1G>A (NM_001379635.1, NM_001379646.1); c.3816+1G>A (NM_001379640.1); c.3843+1G>A (NM_001379639.1); c.3846+1G>A (NM_001379649.1, NM_001320705.2); c.3933+1G>A (NM_001379636.1); c.4098+1G>A (NM_001379632.1); and 7 more.
Identifiers: ClinVar variation 4819159 (VCV004819159.2).

ClinVar aggregate classification (germline): Pathogenic (1 of 4 stars; one submission).

Conditions:
Spastic paraplegia 30A, autosomal dominant. Identifiers: MedGen CN380650, MONDO:0700307, OMIM 610357.

Submission:

Institute of Human Genetics, University of Leipzig Medical Center
Classification: Pathogenic for Spastic paraplegia 30A, autosomal dominant. Last evaluated: 2026-01-13. Review status: criteria provided, single submitter. Criteria: ACMG Guidelines, 2015. Collection method: clinical testing. Allele origin: de novo. Inheritance: Autosomal dominant inheritance. Affected: yes.
Comment: Criteria applied: PM2,PVS1,PS2_MOD